The following is an entry in ClinVar:

NM_000260.4(MYO7A):c.6284A>C (p.Glu2095Ala)

Gene: MYO7A (myosin VIIA; plus strand). Cytogenetic location: 11q13.5.
Variant type: single nucleotide variant.
Coding change: c.6284A>C on transcript NM_000260.4 (MANE Select); coding-DNA position 6284, A replaced by C.
Protein change: p.Glu2095Ala; replaces glutamic acid 2095 with alanine.
Molecular consequence: missense variant.
Genome position (GRCh38, 1-based): chr11:77,211,867, A>C. VCF-style: chr11-77211867-A-C. GRCh37 (hg19) VCF-style: chr11-76922912-A-C.
Other names: c.6170A>C, p.Glu2057Ala (NM_001127180.2); c.6137A>C, p.Glu2046Ala (NM_001369365.1); short protein forms E2095A, E2046A, E2057A.
Identifiers: ClinVar variation 1900600 (VCV001900600.5), dbSNP rs749476560, ClinGen allele CA6198992.

ClinVar aggregate classification (germline): Uncertain significance (1 of 4 stars; one submission).

Allele frequency attached by ClinVar (database versions not stated): gnomAD exomes below 0.00001; ExAC 0.00001.
gnomAD v4.1: 2 of 1,613,982 alleles (0.00012%); highest among the groups gnomAD compares: Non-Finnish European, 0.00017%; no homozygotes.

Submission:

Labcorp Genetics (formerly Invitae), Labcorp
Classification: Uncertain significance. Last evaluated: 2023-06-04. Review status: criteria provided, single submitter. Criteria: Invitae Variant Classification Sherloc (09022015). Collection method: clinical testing. Allele origin: germline.
Comment: In summary, the available evidence is currently insufficient to determine the role of this variant in disease. Therefore, it has been classified as a Variant of Uncertain Significance. This sequence change replaces glutamic acid, which is acidic and polar, with alanine, which is neutral and non-polar, at codon 2095 of the MYO7A protein (p.Glu2095Ala). This variant is present in population databases (rs749476560, gnomAD 0.0009%). This variant has not been reported in the literature in individuals affected with MYO7A-related conditions. ClinVar contains an entry for this variant (Variation ID: 1900600). Advanced modeling of protein sequence and biophysical properties (such as structural, functional, and spatial information, amino acid conservation, physicochemical variation, residue mobility, and thermodynamic stability) performed at Invitae indicates that this missense variant is not expected to disrupt MYO7A protein function.